The following is an entry in ClinVar:

ClinVar aggregate classification (germline): Uncertain significance (1 of 4 stars; one submission).

Conditions:
Inborn genetic diseases. Identifiers: MedGen C0950123, MeSH D030342.

Allele frequency attached by ClinVar (database versions not stated): TOPMed 0.00001; ExAC 0.00002; gnomAD 0.00002; ESP Exome Variant Server 0.00008.
gnomAD v4.1: 3 of 1,613,834 alleles (0.00019%); highest among the groups gnomAD compares: African/African-American, 0.004%; no homozygotes.

Submission:

Ambry Genetics
Classification: Uncertain significance for Inborn genetic diseases. Last evaluated: 2021-12-14. Review status: criteria provided, single submitter. Criteria: Ambry Variant Classification Scheme 2023. Collection method: clinical testing. Allele origin: germline.
Comment: The p.H891D variant (also known as c.2671C>G), located in coding exon 13 of the ATR gene, results from a C to G substitution at nucleotide position 2671. The histidine at codon 891 is replaced by aspartic acid, an amino acid with similar properties. This amino acid position is conserved. In addition, the in silico prediction for this alteration is inconclusive. Since supporting evidence is limited at this time, the clinical significance of this alteration remains unclear.

NM_001184.4(ATR):c.2671C>G (p.His891Asp)

Gene: ATR (ATR checkpoint kinase; minus strand). Cytogenetic location: 3q23.
Variant type: single nucleotide variant.
Coding change: c.2671C>G on transcript NM_001184.4 (MANE Select); coding-DNA position 2671, C replaced by G.
Protein change: p.His891Asp; replaces histidine 891 with aspartic acid.
Molecular consequence: missense variant.
Genome position (GRCh38, 1-based): chr3:142,553,361, G>C on the plus strand (C>G on the coding strand, the complement: ATR is on the minus strand). VCF-style: chr3-142553361-G-C. GRCh37 (hg19) VCF-style: chr3-142272203-G-C.
Other names: c.2479C>G, p.His827Asp (NM_001354579.2); short protein forms H827D, H891D.
Identifiers: ClinVar variation 1794558 (VCV001794558.2), dbSNP rs139224919, ClinGen allele CA2650292.